The following is an entry in ClinVar:

ClinVar aggregate classification (germline): Likely pathogenic (1 of 4 stars; one submission).

Conditions:
Junctional epidermolysis bullosa. Identifiers: Orphanet 305, MedGen C0079301, MONDO:0017612.

Submission:

Myriad Genetics, Inc.
Classification: Likely pathogenic for Junctional epidermolysis bullosa. Last evaluated: 2022-03-14. Review status: criteria provided, single submitter. Criteria: Myriad Autosomal Dominant, Autosomal Recessive and X-Linked Classification Criteria (2023). Collection method: clinical testing. Allele origin: unknown.
Comment: NM_000228.2(LAMB3):c.2257_2258ins10(V753Gfs*30) is expected to be pathogenic in the context of junctional epidermolysis bullosa, LAMB3-related. This variant is predicted to lead to an abnormal or absent protein product due to the creation of a premature termination codon in LAMB3, a gene where loss-of-function variants are known to be pathogenic. Please note: this variant was assessed in the context of healthy population screening.

NM_000228.3(LAMB3):c.2257_2258insGCCACAAGCT (p.Val753fs)

Gene: LAMB3 (laminin subunit beta 3; minus strand). Cytogenetic location: 1q32.2.
Variant type: Insertion.
Coding change: c.2257_2258insGCCACAAGCT on transcript NM_000228.3 (MANE Select); coding-DNA positions 2257 to 2258, GCCACAAGCT inserted.
Protein change: p.Val753fs; shifts the reading frame from valine 753.
Molecular consequence: frameshift variant.
Genome position: GRCh38 VCF-style: chr1-209623605-A-AAGCTTGTGGC. GRCh37 (hg19) VCF-style: chr1-209796950-A-AAGCTTGTGGC.
Other names: c.2257_2258insGCCACAAGCT, p.Val753fs (NM_001017402.2, NM_001127641.1); short protein forms V753fs.
Identifiers: ClinVar variation 1725177 (VCV001725177.3), dbSNP rs2464797493, ClinGen allele CA2580061969.